The following is an entry in ClinVar:

ClinVar aggregate classification (germline): Uncertain significance (1 of 4 stars; one submission).

Allele frequency attached by ClinVar (database versions not stated): gnomAD exomes below 0.00001 and 0.00002; ExAC 0.00001; TOPMed 0.00003; gnomAD 0.00005.
gnomAD v4.1: 6 of 1,209,044 alleles (0.0005%); highest among the groups gnomAD compares: African/African-American, 0.011%; no homozygotes.

Submission:

Labcorp Genetics (formerly Invitae), Labcorp
Classification: Uncertain significance. Last evaluated: 2024-10-24. Review status: criteria provided, single submitter. Criteria: Invitae Variant Classification Sherloc (09022015). Collection method: clinical testing. Allele origin: germline.
Comment: This sequence change replaces isoleucine, which is neutral and non-polar, with valine, which is neutral and non-polar, at codon 739 of the CACNA1F protein (p.Ile739Val). This variant is present in population databases (rs782794008, gnomAD 0.02%). This variant has not been reported in the literature in individuals affected with CACNA1F-related conditions. ClinVar contains an entry for this variant (Variation ID: 962366). Invitae Evidence Modeling of protein sequence and biophysical properties (such as structural, functional, and spatial information, amino acid conservation, physicochemical variation, residue mobility, and thermodynamic stability) indicates that this missense variant is not expected to disrupt CACNA1F protein function with a negative predictive value of 80%. In summary, the available evidence is currently insufficient to determine the role of this variant in disease. Therefore, it has been classified as a Variant of Uncertain Significance.

NM_001256789.3(CACNA1F):c.2182A>G (p.Ile728Val)

Gene: CACNA1F (calcium voltage-gated channel subunit alpha1 F; minus strand). Cytogenetic location: Xp11.23.
Variant type: single nucleotide variant.
Coding change: c.2182A>G on transcript NM_001256789.3 (MANE Select); coding-DNA position 2182, A replaced by G.
Protein change: p.Ile728Val; replaces isoleucine 728 with valine.
Molecular consequence: missense variant.
Genome position (GRCh38, 1-based): chrX:49,222,742, T>C on the plus strand (A>G on the coding strand, the complement: CACNA1F is on the minus strand). VCF-style: chrX-49222742-T-C. GRCh37 (hg19) VCF-style: chrX-49079201-T-C.
Other names: c.2020A>G, p.Ile674Val (NM_001256790.3); c.2215A>G, p.Ile739Val (NM_005183.4); short protein forms I739V, I728V, I674V.
Identifiers: ClinVar variation 962366 (VCV000962366.9), dbSNP rs782794008, ClinGen allele CA10410738.